The following is an entry in ClinVar:

NC_000023.11:g.77910311A>G

Genes: ATP7A (ATPase copper transporting alpha; plus strand), COX7B (cytochrome c oxidase subunit 7B; plus strand). Cytogenetic location: Xq21.1.
Variant type: single nucleotide variant.
Genome position: GRCh38 VCF-style: chrX-77910311-A-G. GRCh37 (hg19) VCF-style: chrX-77165808-A-G.
Identifiers: ClinVar variation 4989655 (VCV004989655.2).

ClinVar aggregate classification (germline): Likely benign. Review status: criteria provided, multiple submitters, no conflicts (2 of 4 stars). 2 submissions from 2 submitters: Likely benign (2). Last evaluated 2026-07-01.

Conditions:
ATP7A-related disorder. Also called: ATP7A-related condition.

Submissions (2):

CeGaT Center for Human Genetics Tuebingen
Classification: Likely benign. Last evaluated: 2026-07-01. Review status: criteria provided, single submitter. Criteria: CeGaT Center For Human Genetics Tuebingen Variant Classification Criteria Version 2. Collection method: clinical testing. Allele origin: germline. Affected: yes. Observed: 1 variant allele.
Comment: COX7B: BS2

PreventionGenetics, part of Exact Sciences
Classification: Likely benign for ATP7A-related condition. Last evaluated: 2026-01-22. Review status: criteria provided, single submitter. Criteria: ACMG Guidelines, 2015. Collection method: clinical testing. Allele origin: germline.
Comment: This variant is classified as likely benign based on ACMG/AMP sequence variant interpretation guidelines (Richards et al. 2015 PMID: 25741868, with internal and published modifications).